The following is an entry in ClinVar:

NM_000213.5(ITGB4):c.4765dup (p.Asp1589fs)

Genes: GALK1 (galactokinase 1; minus strand), ITGB4 (integrin subunit beta 4; plus strand). Cytogenetic location: 17q25.1.
Variant type: Duplication.
Coding change: c.4765dup on transcript NM_000213.5 (MANE Select); coding-DNA position 4765, one base duplicated (G; older notation c.4765dupG).
Protein change: p.Asp1589fs; shifts the reading frame from aspartic acid 1589.
Molecular consequence: frameshift variant. On other transcripts: intron variant (1).
Genome position (GRCh38, 1-based): chr17:75,756,485, G duplicated. VCF-style (leftmost placement, unchanged base first): chr17-75756484-A-AG. GRCh37 (hg19) VCF-style: chr17-73752565-A-AG.
Other names: c.4714dup, p.Asp1572fs (NM_001005619.2); c.4555dup, p.Asp1519fs (NM_001005731.3, NM_001321123.2); c.4405dup, p.Asp1469fs (NM_001438834.1); c.*22+1549dup (NM_001381985.1); short protein forms D1572fs, D1589fs, D1519fs, D1469fs.
Identifiers: ClinVar variation 2830138 (VCV002830138.3), dbSNP rs2545884453, ClinGen allele CA2739265765.

ClinVar aggregate classification (germline): Pathogenic (1 of 4 stars; one submission).

Submission:

Labcorp Genetics (formerly Invitae), Labcorp
Classification: Pathogenic. Last evaluated: 2023-01-28. Review status: criteria provided, single submitter. Criteria: Invitae Variant Classification Sherloc (09022015). Collection method: clinical testing. Allele origin: germline.
Comment: For these reasons, this variant has been classified as Pathogenic. This variant has not been reported in the literature in individuals affected with ITGB4-related conditions. This variant is not present in population databases (gnomAD no frequency). This sequence change creates a premature translational stop signal (p.Asp1519Glyfs*25) in the ITGB4 gene. It is expected to result in an absent or disrupted protein product. Loss-of-function variants in ITGB4 are known to be pathogenic (PMID: 11328943, 16473856).

Literature cited by the submitters: PubMed 11328943; PubMed 16473856.